The following is an entry in ClinVar:

NM_001042681.2(RERE):c.1645G>A (p.Val549Met)

Gene: RERE (arginine-glutamic acid dipeptide repeats; minus strand). Cytogenetic location: 1p36.23.
Variant type: single nucleotide variant.
Coding change: c.1645G>A on transcript NM_001042681.2 (MANE Select); coding-DNA position 1645, G replaced by A.
Protein change: p.Val549Met; replaces valine 549 with methionine.
Molecular consequence: missense variant. On other transcripts: 5 prime UTR variant (1).
Genome position (GRCh38, 1-based): chr1:8,364,151, C>T on the plus strand (G>A on the coding strand, the complement: RERE is on the minus strand). VCF-style: chr1-8364151-C-T. GRCh37 (hg19) VCF-style: chr1-8424211-C-T.
Other names: c.-18G>A (NM_001042682.2); c.1645G>A, p.Val549Met (NM_012102.4); short protein forms V549M.
Identifiers: ClinVar variation 4152668 (VCV004152668.2).

ClinVar aggregate classification (germline): Uncertain significance. Review status: criteria provided, multiple submitters, no conflicts (2 of 4 stars). 2 submissions from 2 submitters: Uncertain significance (2). Last evaluated 2025-08-22.

Conditions:
Inborn genetic diseases. Identifiers: MedGen C0950123, MeSH D030342.

gnomAD v4.1: 4 of 1,614,126 alleles (0.00025%); highest among the groups gnomAD compares: Admixed American, 0.005%; no homozygotes.

Submissions (2):

Ambry Genetics
Classification: Uncertain significance for Inborn genetic diseases. Last evaluated: 2025-08-22. Review status: criteria provided, single submitter. Criteria: Ambry Variant Classification Scheme 2023. Collection method: clinical testing. Allele origin: germline.

Labcorp Genetics (formerly Invitae), Labcorp
Classification: Uncertain significance. Last evaluated: 2025-06-03. Review status: criteria provided, single submitter. Criteria: Invitae Variant Classification Sherloc (09022015). Collection method: clinical testing. Allele origin: germline.
Comment: This sequence change replaces valine, which is neutral and non-polar, with methionine, which is neutral and non-polar, at codon 549 of the RERE protein (p.Val549Met). This variant is present in population databases (no rsID available, gnomAD 0.003%). This variant has not been reported in the literature in individuals affected with RERE-related conditions. Invitae Evidence Modeling of protein sequence and biophysical properties (such as structural, functional, and spatial information, amino acid conservation, physicochemical variation, residue mobility, and thermodynamic stability) has been performed for this missense variant. However, the output from this modeling did not meet the statistical confidence thresholds required to predict the impact of this variant on RERE protein function. In summary, the available evidence is currently insufficient to determine the role of this variant in disease. Therefore, it has been classified as a Variant of Uncertain Significance.